The following is an entry in ClinVar:

ClinVar aggregate classification (germline): Uncertain significance (1 of 4 stars; one submission).

Submission:

Labcorp Genetics (formerly Invitae), Labcorp
Classification: Uncertain significance. Last evaluated: 2023-12-08. Review status: criteria provided, single submitter. Criteria: Invitae Variant Classification Sherloc (09022015). Collection method: clinical testing. Allele origin: germline.
Comment: This sequence change replaces lysine, which is basic and polar, with arginine, which is basic and polar, at codon 484 of the LZTR1 protein (p.Lys484Arg). This variant is not present in population databases (gnomAD no frequency). This variant has not been reported in the literature in individuals affected with LZTR1-related conditions. An algorithm developed to predict the effect of missense changes on protein structure and function (PolyPhen-2) suggests that this variant is likely to be tolerated. In summary, the available evidence is currently insufficient to determine the role of this variant in disease. Therefore, it has been classified as a Variant of Uncertain Significance.

NM_006767.4(LZTR1):c.1451A>G (p.Lys484Arg)

Gene: LZTR1 (leucine zipper like post translational regulator 1; plus strand). Cytogenetic location: 22q11.21.
Variant type: single nucleotide variant.
Coding change: c.1451A>G on transcript NM_006767.4 (MANE Select); coding-DNA position 1451, A replaced by G.
Protein change: p.Lys484Arg; replaces lysine 484 with arginine.
Molecular consequence: missense variant.
Genome position (GRCh38, 1-based): chr22:20,994,105, A>G. VCF-style: chr22-20994105-A-G. GRCh37 (hg19) VCF-style: chr22-21348394-A-G.
Other names: short protein forms K484R.
Identifiers: ClinVar variation 2815553 (VCV002815553.3), dbSNP rs1370549934, ClinGen allele CA410775431.